The following is an entry in ClinVar:

ClinVar aggregate classification (germline): Uncertain significance (1 of 4 stars; one submission).

Conditions:
Rhabdoid tumor predisposition syndrome 2 (RTPS2). Identifiers: Orphanet 231108, Orphanet 69077, MedGen C2750074, MONDO:0013224, OMIM 613325.

Allele frequency attached by ClinVar (database versions not stated): gnomAD exomes below 0.00001.

Submission:

Labcorp Genetics (formerly Invitae), Labcorp
Classification: Uncertain significance for Rhabdoid tumor predisposition syndrome 2. Last evaluated: 2024-04-08. Review status: criteria provided, single submitter. Criteria: Invitae Variant Classification Sherloc (09022015). Collection method: clinical testing. Allele origin: germline.
Comment: This sequence change replaces glutamine, which is neutral and polar, with arginine, which is basic and polar, at codon 194 of the SMARCA4 protein (p.Gln194Arg). This variant is not present in population databases (gnomAD no frequency). This variant has not been reported in the literature in individuals affected with SMARCA4-related conditions. ClinVar contains an entry for this variant (Variation ID: 1389089). Advanced modeling of protein sequence and biophysical properties (such as structural, functional, and spatial information, amino acid conservation, physicochemical variation, residue mobility, and thermodynamic stability) has been performed at Invitae for this missense variant, however the output from this modeling did not meet the statistical confidence thresholds required to predict the impact of this variant on SMARCA4 protein function. In summary, the available evidence is currently insufficient to determine the role of this variant in disease. Therefore, it has been classified as a Variant of Uncertain Significance.

NM_003072.5(SMARCA4):c.581A>G (p.Gln194Arg)

Gene: SMARCA4 (SWI/SNF related BAF chromatin remodeling complex subunit ATPase 4; plus strand). Cytogenetic location: 19p13.2.
Variant type: single nucleotide variant.
Coding change: c.581A>G on transcript NM_003072.5 (MANE Select); coding-DNA position 581, A replaced by G.
Protein change: p.Gln194Arg; replaces glutamine 194 with arginine.
Molecular consequence: missense variant. On other transcripts: non-coding transcript variant (1).
Genome position (GRCh38, 1-based): chr19:10,986,414, A>G. VCF-style: chr19-10986414-A-G. GRCh37 (hg19) VCF-style: chr19-11097090-A-G.
Other names: c.581A>G, p.Gln194Arg (NM_001128844.3, NM_001128845.2, NM_001128846.2 and 5 more transcripts); short protein forms Q194R.
Identifiers: ClinVar variation 1389089 (VCV001389089.5), dbSNP rs760076866, ClinGen allele CA404056457.